The following is an entry in ClinVar:

NM_020778.5(ALPK3):c.438T>C (p.Asp146=)

Gene: ALPK3 (alpha kinase 3; plus strand). Cytogenetic location: 15q25.3.
Variant type: single nucleotide variant.
Coding change: c.438T>C on transcript NM_020778.5 (MANE Select); coding-DNA position 438, T replaced by C.
Protein change: p.Asp146=; no amino-acid change (aspartic acid 146 retained).
Molecular consequence: synonymous variant.
Genome position (GRCh38, 1-based): chr15:84,839,717, T>C. VCF-style: chr15-84839717-T-C. GRCh37 (hg19) VCF-style: chr15-85382948-T-C.
Identifiers: ClinVar variation 1672446 (VCV001672446.11), dbSNP rs367865501, ClinGen allele CA7708981.

ClinVar aggregate classification (germline): Likely benign. Review status: criteria provided, multiple submitters, no conflicts (2 of 4 stars). 3 submissions from 3 submitters: Likely benign (3). Last evaluated 2026-01-06.

Conditions:
ALPK3-related disorder. Also called: ALPK3-related condition.
Cardiovascular phenotype. Identifiers: MedGen CN230736.

Allele frequency attached by ClinVar (database versions not stated): ExAC 0.00001; gnomAD exomes 0.00002 and 0.00003; gnomAD 0.00003 and 0.00004; TOPMed 0.00003; ESP Exome Variant Server 0.00008.
gnomAD v4.1: 43 of 1,605,188 alleles (0.0027%); highest among the groups gnomAD compares: Non-Finnish European, 0.0035%; no homozygotes.

Submissions (3):

PreventionGenetics, part of Exact Sciences
Classification: Likely benign for ALPK3-related condition. Last evaluated: 2026-01-06. Review status: criteria provided, single submitter. Criteria: ACMG Guidelines, 2015. Collection method: clinical testing. Allele origin: germline.
Comment: This variant is classified as likely benign based on ACMG/AMP sequence variant interpretation guidelines (Richards et al. 2015 PMID: 25741868, with internal and published modifications).

Labcorp Genetics (formerly Invitae), Labcorp
Classification: Likely benign. Last evaluated: 2025-11-25. Review status: criteria provided, single submitter. Criteria: Invitae Variant Classification Sherloc (09022015). Collection method: clinical testing. Allele origin: germline.

Ambry Genetics
Classification: Likely benign for Cardiovascular phenotype. Last evaluated: 2020-03-19. Review status: criteria provided, single submitter. Criteria: Ambry Variant Classification Scheme 2023. Collection method: clinical testing. Allele origin: germline.